The following is an entry in ClinVar:

NM_006295.3(VARS1):c.3253A>G (p.Ser1085Gly)

Gene: VARS1 (valyl-tRNA synthetase 1; minus strand). Cytogenetic location: 6p21.33.
Variant type: single nucleotide variant.
Coding change: c.3253A>G on transcript NM_006295.3 (MANE Select); coding-DNA position 3253, A replaced by G.
Protein change: p.Ser1085Gly; replaces serine 1085 with glycine.
Molecular consequence: missense variant.
Genome position (GRCh38, 1-based): chr6:31,779,643, T>C on the plus strand (A>G on the coding strand, the complement: VARS1 is on the minus strand). VCF-style: chr6-31779643-T-C. GRCh37 (hg19) VCF-style: chr6-31747420-T-C.
Other names: short protein forms S1085G.
Identifiers: ClinVar variation 1029028 (VCV001029028.1), dbSNP rs1812998494, ClinGen allele CA363434533.

ClinVar aggregate classification (germline): Uncertain significance (1 of 4 stars; one submission).

Conditions:
Neurodevelopmental disorder with microcephaly, seizures, and cortical atrophy. Identifiers: MedGen C4540493, MONDO:0060621, OMIM 617802.

Allele frequency attached by ClinVar (database versions not stated): gnomAD exomes below 0.00001.
gnomAD v4.1: 4 of 1,612,704 alleles (0.00025%); highest among the groups gnomAD compares: Non-Finnish European, 0.00034%; no homozygotes.

Submission:

Baylor Genetics
Classification: Uncertain significance for Neurodevelopmental disorder with microcephaly, seizures, and cortical atrophy. Last evaluated: 2020-02-13. Review status: criteria provided, single submitter. Criteria: ACMG Guidelines, 2015. Collection method: clinical testing. Allele origin: unknown. Affected: yes.
Comment: This variant was determined to be of uncertain significance according to ACMG Guidelines, 2015 [PMID:25741868].